The following is an entry in ClinVar:

ClinVar aggregate classification (germline): Likely benign. Review status: criteria provided, multiple submitters, no conflicts (2 of 4 stars). 2 submissions from 2 submitters: Likely benign (2). Last evaluated 2025-11-26.

Conditions:
Primary ciliary dyskinesia. Also called: Ciliary dyskinesia. Identifiers: Orphanet 244, MedGen C0008780, MONDO:0016575, HP:0012265.

Submissions (2):

Labcorp Genetics (formerly Invitae), Labcorp
Classification: Likely benign for Primary ciliary dyskinesia. Last evaluated: 2025-11-26. Review status: criteria provided, single submitter. Criteria: Invitae Variant Classification Sherloc (09022015). Collection method: clinical testing. Allele origin: germline.

Mayo Clinic Laboratories, Mayo Clinic
Classification: Likely benign. Last evaluated: 2025-09-15. Review status: criteria provided, single submitter. Criteria: ACMG Guidelines, 2015. Collection method: clinical testing. Allele origin: germline. Observed: 1 variant allele.
Comment: BP4, BP7

NM_001206927.2(DNAH8):c.762+8del

Gene: DNAH8 (dynein axonemal heavy chain 8; plus strand). Cytogenetic location: 6p21.2.
Variant type: Deletion.
Coding change: c.762+8del on transcript NM_001206927.2 (MANE Select); 8 bases into the intron after coding-DNA position 762, one base deleted (T; older notation c.762+8delT).
Molecular consequence: intron variant.
Genome position (GRCh38, 1-based): chr6:38,734,633, T deleted; the last of 3 consecutive T bases (chr6:38,734,631-38,734,633); deleting any one gives the same sequence. VCF-style (leftmost placement, unchanged base first): chr6-38734630-GT-G. GRCh37 (hg19) VCF-style: chr6-38702406-GT-G.
Other names: p.?; c.111+8del (NM_001371.4).
Identifiers: ClinVar variation 700649 (VCV000700649.11), dbSNP rs752866956, ClinGen allele CA3788033.